The following is an entry in ClinVar:

NC_000023.10:g.(?_32360197)_(32717430_?)del

Gene: DMD (dystrophin; minus strand). Cytogenetic location: Xp21.1.
Variant type: Deletion.
Identifiers: ClinVar variation 2424852 (VCV002424852.4).

ClinVar aggregate classification (germline): Pathogenic (1 of 4 stars; one submission).

Conditions:
Duchenne muscular dystrophy (DMD). Also called: Duchenne Muscular Dystrophy (DMD); MUSCULAR DYSTROPHY, PSEUDOHYPERTROPHIC PROGRESSIVE, DUCHENNE TYPE. Identifiers: Orphanet 98896, MedGen C0013264, MONDO:0010679, OMIM 310200.

Submission:

Labcorp Genetics (formerly Invitae), Labcorp
Classification: Pathogenic for Duchenne muscular dystrophy. Last evaluated: 2022-08-10. Review status: criteria provided, single submitter. Criteria: Invitae Variant Classification Sherloc (09022015). Collection method: clinical testing. Allele origin: germline.
Comment: This variant is a gross deletion of the genomic region encompassing exon(s) 8-41 of the DMD gene. This deletion is out-of-frame, and is expected to create a premature termination codon and result in an absent or disrupted protein product. Loss-of-function variants in DMD are known to be pathogenic (PMID: 16770791, 25007885). A similar copy number variant has been observed in individual(s) with clinical features of DMD-related conditions (PMID: 19937601, 31081998, 31705731, 33644936). For these reasons, this variant has been classified as Pathogenic.

Literature cited by the submitters: PubMed 16770791; PubMed 25007885; PubMed 19937601; PubMed 31081998; PubMed 31705731; PubMed 33644936.